The following is an entry in ClinVar:

NM_014053.4(FLVCR1):c.1307+4A>C

Gene: FLVCR1 (FLVCR choline and heme transporter 1; plus strand). Cytogenetic location: 1q32.3.
Variant type: single nucleotide variant.
Coding change: c.1307+4A>C on transcript NM_014053.4 (MANE Select); 4 bases into the intron after coding-DNA position 1307, A replaced by C.
Molecular consequence: intron variant.
Genome position (GRCh38, 1-based): chr1:212,888,005, A>C. VCF-style: chr1-212888005-A-C. GRCh37 (hg19) VCF-style: chr1-213061347-A-C.
Identifiers: ClinVar variation 1479205 (VCV001479205.5), dbSNP rs1572026843, ClinGen allele CA2485645270.
Genomic context (GRCh38, chr1:212,888,005, plus strand): 5'-TTTCACATTGGACCTTAGATATATTATCATCGTGTTTGTTACTGGAGGGGTGCTTGGGTA[A>C]GTATCAGATGTGTTTAGGAGGAATGATAGCATGCTGTTATAATTCTGAAGTATTATTACT-3'

ClinVar aggregate classification (germline): Uncertain significance (1 of 4 stars; one submission).

Allele frequency attached by ClinVar (database versions not stated): TOPMed below 0.00001.
gnomAD v4.1: 11 of 1,470,064 alleles (0.00075%); highest among the groups gnomAD compares: Non-Finnish European, 0.001%; no homozygotes.

Submission:

Labcorp Genetics (formerly Invitae), Labcorp
Classification: Uncertain significance. Last evaluated: 2021-11-23. Review status: criteria provided, single submitter. Criteria: Invitae Variant Classification Sherloc (09022015). Collection method: clinical testing. Allele origin: germline.
Comment: In summary, the available evidence is currently insufficient to determine the role of this variant in disease. Therefore, it has been classified as a Variant of Uncertain Significance. Variants that disrupt the consensus splice site are a relatively common cause of aberrant splicing (PMID: 17576681, 9536098). Algorithms developed to predict the effect of sequence changes on RNA splicing suggest that this variant may disrupt the consensus splice site. This variant has not been reported in the literature in individuals affected with FLVCR1-related conditions. This variant is not present in population databases (gnomAD no frequency). This sequence change falls in intron 6 of the FLVCR1 gene. It does not directly change the encoded amino acid sequence of the FLVCR1 protein. It affects a nucleotide within the consensus splice site.

Literature cited by the submitters: PubMed 17576681; PubMed 9536098.